The following is an entry in ClinVar:

NM_015046.7(SETX):c.6843-3_6843-1del

Gene: SETX (senataxin; minus strand). Cytogenetic location: 9q34.13.
Variant type: Deletion.
Coding change: c.6843-3_6843-1del on transcript NM_015046.7 (MANE Select); 3 bases into the intron before coding-DNA position 6843 through the canonical splice acceptor site of the intron before coding-DNA position 6843, 3 bases deleted (CAG; older notation c.6843-3_6843-1delCAG).
Molecular consequence: splice acceptor variant.
Genome position (GRCh38, 1-based): chr9:132,277,153-132,277,155, CTG deleted on the plus strand (CAG on the coding strand, the reverse complement: SETX is on the minus strand). VCF-style (leftmost placement, unchanged base first): chr9-132277152-TCTG-T. GRCh37 (hg19) VCF-style: chr9-135152539-TCTG-T.
Other names: c.6843-3_6843-1del (NM_001351528.2, NM_001351527.2).
Identifiers: ClinVar variation 838820 (VCV000838820.11), dbSNP rs1186690391, ClinGen allele CA860623264.
Genomic context (GRCh38, chr9:132,277,152, plus strand): 5'-ATCAAACACAAGGTATGGCTGAAATGGCCAATCTGATGAACATCGAATGGCTTCTGTCTG[TCTG>T]TAAAAAAAAAAAAGCAGTCAACATTCAGAATAAAGTCAAGATTTAAGAAAATATCTTGGT-3'

ClinVar aggregate classification (germline): Likely pathogenic. Review status: criteria provided, multiple submitters, no conflicts (2 of 4 stars). 2 submissions from 2 submitters: Likely pathogenic (2). Last evaluated 2025-08-25.

Conditions:
Spinocerebellar ataxia, autosomal recessive, with axonal neuropathy 2 (SCAN2). Also called: Ataxia-ocular apraxia-2; ATAXIA-OCULOMOTOR APRAXIA 2; Ataxia with Oculomotor Apraxia; Ataxia with Oculomotor Apraxia Type 2. Identifiers: Orphanet 64753, MedGen C1853761, MONDO:0018996, OMIM 606002.
Amyotrophic lateral sclerosis type 4 (ALS4). Also called: AMYOTROPHIC LATERAL SCLEROSIS 4, JUVENILE; NEURONOPATHY, DISTAL HEREDITARY MOTOR, WITH PYRAMIDAL FEATURES. Identifiers: Orphanet 357043, MedGen C1865409, MONDO:0011223, OMIM 602433.

Allele frequency attached by ClinVar (database versions not stated): gnomAD exomes below 0.00001; TOPMed below 0.00001.

Submissions (2):

OLLIN Analises Genomicas, OLLIN
Classification: Likely pathogenic for Spinocerebellar ataxia, autosomal recessive, with axonal neuropathy 2. Last evaluated: 2025-08-25. Review status: criteria provided, single submitter. Criteria: ACMG Guidelines 2015 PMID 25741868. Collection method: clinical testing. Allele origin: germline. Affected: yes. Observed: 1 variant allele.
Comment: The deletion involving the canonical splicing site (chr9:132277152TCTG>T), located in intron 21 (of 26 exons), is not reported in the gnomAD v4.1 non-UKB databases and was not found in the scientific literature. However, it is reported in the ClinVar database (VCV000838820.10) and is predicted to disrupt the canonical splice site, resulting in a truncated protein, or in mRNA degradation via NMD or exon skipping. It should be noted that this region shows moderate homology with several regions of the genome and, although bioinformatics performs well in identifying the genomic location, verification of this deletion by orthologous technique is recommended. According to the currently available evidence, this variant has been classified as likely pathogenic (PVS1_S, PM2_P).

Labcorp Genetics (formerly Invitae), Labcorp
Classification: Likely pathogenic for Amyotrophic lateral sclerosis type 4; Spinocerebellar ataxia, autosomal recessive, with axonal neuropathy 2. Last evaluated: 2023-05-19. Review status: criteria provided, single submitter. Criteria: Invitae Variant Classification Sherloc (09022015). Collection method: clinical testing. Allele origin: germline.
Comment: This sequence change affects a splice site in intron 21 of the SETX gene. It is expected to disrupt RNA splicing. Variants that disrupt the donor or acceptor splice site typically lead to a loss of protein function (PMID: 16199547), and loss-of-function variants in SETX are known to be pathogenic (PMID: 14770181). This variant is not present in population databases (gnomAD no frequency). This variant has not been reported in the literature in individuals affected with SETX-related conditions. ClinVar contains an entry for this variant (Variation ID: 838820). Algorithms developed to predict the effect of sequence changes on RNA splicing suggest that this variant may disrupt the consensus splice site. In summary, the currently available evidence indicates that the variant is pathogenic, but additional data are needed to prove that conclusively. Therefore, this variant has been classified as Likely Pathogenic.

Literature cited by the submitters: PubMed 16199547 (cited by Labcorp Genetics (formerly Invitae), Labcorp); PubMed 14770181 (cited by Labcorp Genetics (formerly Invitae), Labcorp).